The following is an entry in ClinVar:

NM_000077.5(CDKN2A):c.241C>T (p.Pro81Ser)

Gene: CDKN2A (cyclin dependent kinase inhibitor 2A; minus strand). Cytogenetic location: 9p21.3.
Variant type: single nucleotide variant.
Coding change: c.241C>T on transcript NM_000077.5; coding-DNA position 241, C replaced by T.
Protein change: p.Pro81Ser; replaces proline 81 with serine.
Molecular consequence: missense variant (on NM_000077.6). On other transcripts: 3 prime UTR variant (1).
Genome position (GRCh38, 1-based): chr9:21,971,118, G>A on the plus strand (C>T on the coding strand, the complement: CDKN2A is on the minus strand). VCF-style: chr9-21971118-G-A. GRCh37 (hg19) VCF-style: chr9-21971117-G-A.
Other names: c.241C>T, p.Pro81Ser (NM_000077.6, NM_001195132.2); c.88C>T, p.Pro30Ser (NM_001363763.2); c.284C>T, p.Thr95Ile (NM_058195.4); c.*164C>T (NM_058197.5); short protein forms P30S, T95I, P81S.
Identifiers: ClinVar variation 664812 (VCV000664812.14), dbSNP rs1334828764, ClinGen allele CA373086249.

ClinVar aggregate classification (germline): Conflicting classifications of pathogenicity. Review status: criteria provided, conflicting classifications (1 of 4 stars). 5 submissions from 5 submitters: Likely pathogenic (3); Uncertain significance (2). Last evaluated 2026-04-13.

Conditions:
Melanoma-pancreatic cancer syndrome. Identifiers: Orphanet 404560, MedGen C1838547, MONDO:0011713, OMIM 606719. Disease mechanism: loss of function.
Li-Fraumeni syndrome (LFS). Also called: Sarcoma family syndrome of Li and Fraumeni. Identifiers: Orphanet 524, MedGen C0085390, MONDO:0018875.
Familial pancreatic carcinoma. Identifiers: Orphanet 1333, MedGen C2931038, MONDO:0015278, OMIM 260350.
Familial melanoma. Also called: Hereditary melanoma; Hereditary cutaneous melanoma. Identifiers: Orphanet 618, MedGen C1512419, MONDO:0018961.
Hereditary cancer-predisposing syndrome. Also called: Neoplastic Syndromes, Hereditary; Hereditary Cancer Syndrome; Tumor predisposition; Hereditary neoplastic syndrome. Identifiers: Orphanet 140162, MedGen C0027672, MeSH D009386, MONDO:0015356.

Allele frequency attached by ClinVar (database versions not stated): gnomAD 0.00001.
gnomAD v4.1: 1 of 1,604,134 alleles (0.000062%); highest among the groups gnomAD compares: Non-Finnish European, 0.000085%; no homozygotes.

Submissions (5):

Institute of Human Genetics, University of Leipzig Medical Center
Classification: Likely pathogenic for Melanoma-pancreatic cancer syndrome. Last evaluated: 2026-04-13. Review status: criteria provided, single submitter. Criteria: ACMG Guidelines, 2015. Collection method: clinical testing. Allele origin: unknown. Inheritance: Autosomal dominant inheritance. Affected: yes.
Comment: Criteria applied: PS4_MOD,PM5,PM2_SUP,PP3

Ambry Genetics
Classification: Likely pathogenic for Hereditary cancer-predisposing syndrome. Last evaluated: 2025-06-03. Review status: criteria provided, single submitter. Criteria: Ambry Variant Classification Scheme 2023. Collection method: clinical testing. Allele origin: germline.
Comment: The p.P81S variant (also known as c.241C>T), located in coding exon 2 of the CDKN2A gene, results from a C to T substitution at nucleotide position 241. The proline at codon 81 is replaced by serine, an amino acid with similar properties. This variant has been observed in multiple individuals with a personal and/or family history that is consistent with melanoma-pancreatic cancer syndrome (Potrony M et al. J Am Acad Dermatol, 2014 Nov;71:888-95; Tuominen R et al. Genes Chromosomes Cancer, 2016 Jul;55:601-11; Helgadottir H et al. J Am Acad Dermatol, 2017 Nov;77:893-901; Potjer TP et al. J Med Genet, 2018 10;55:661-668; Ambry internal data). This variant is considered to be rare based on population cohorts in the Genome Aggregation Database (gnomAD). This amino acid position is highly conserved in available vertebrate species. In addition, this alteration is predicted to be deleterious by in silico analysis. Based on the majority of available evidence to date, this variant is likely to be pathogenic.

Labcorp Genetics (formerly Invitae), Labcorp
Classification: Uncertain significance for Familial melanoma. Last evaluated: 2025-01-15. Review status: criteria provided, single submitter. Criteria: Invitae Variant Classification Sherloc (09022015). Collection method: clinical testing. Allele origin: germline.
Comment: The CDKN2A gene encodes two different proteins, p16INK4a and p14ARF, which are translated from alternative transcripts with different open reading frames. Both transcripts have been analyzed. We report either the variant with the higher classification or default to the CDKN2A (p16INK4a) variant. This report therefore includes the details for the CDKN2A (p16INK4a) variant. This sequence change replaces proline, which is neutral and non-polar, with serine, which is neutral and polar, at codon 81 of the CDKN2A (p16INK4a) protein (p.Pro81Ser). This variant is not present in population databases (gnomAD no frequency). This variant has not been reported in the literature in individuals affected with CDKN2A (p16INK4a)-related conditions. This variant is also known as c.284C>T (p.Thr95Ile) in the CDKN2A (p14ARF) transcript. ClinVar contains an entry for this variant (Variation ID: 664812). An algorithm developed to predict the effect of missense changes on protein structure and function (PolyPhen-2) suggests that this variant is likely to be disruptive. This variant disrupts the p.Pro81 amino acid residue in CDKN2A (p16INK4a). Other variant(s) that disrupt this residue have been determined to be pathogenic (PMID: 18023021, 19260062, 21462282, 26800492, 27804060). This suggests that this residue is clinically significant, and that variants that disrupt this residue are likely to be disease-causing. In summary, the available evidence is currently insufficient to determine the role of this variant in disease. Therefore, it has been classified as a Variant of Uncertain Significance.

Quest Diagnostics Nichols Institute San Juan Capistrano
Classification: Likely pathogenic. Last evaluated: 2024-11-14. Review status: criteria provided, single submitter. Criteria: Quest Diagnostics criteria. Collection method: clinical testing. Allele origin: unknown.
Comment: The CDKN2A c.284C>T (p.Thr95Ile) variant has been reported in the published literature in individuals with melanoma (PMIDs: 25064638 (2014), 27074266 (2016), 28818438 (2017), 29661971 (2018), 30291219 (2020), Quest internal data). This variant has not been reported in large, multi-ethnic general populations (Genome Aggregation Database). Analysis of this variant using bioinformatics tools for the prediction of the effect of amino acid changes on protein structure and function yielded predictions that this variant is damaging. Based on the available information, this variant is classified as likely pathogenic.

Department of Pathology and Laboratory Medicine, Sinai Health System
Classification: Uncertain significance for Li-Fraumeni syndrome; Familial pancreatic carcinoma. Last evaluated: 2022-09-06. Review status: criteria provided, single submitter. Criteria: ACMG Guidelines, 2015. Collection method: clinical testing. Allele origin: germline. Affected: yes.

Literature cited by the submitters: PubMed 25064638 (cited by Ambry Genetics and Quest Diagnostics Nichols Institute San Juan Capistrano); PubMed 27074266 (cited by Ambry Genetics and Quest Diagnostics Nichols Institute San Juan Capistrano); PubMed 28818438 (cited by Ambry Genetics and Quest Diagnostics Nichols Institute San Juan Capistrano); PubMed 29661971 (cited by 3 submitters); PubMed 18023021 (cited by Labcorp Genetics (formerly Invitae), Labcorp); PubMed 19260062 (cited by Labcorp Genetics (formerly Invitae), Labcorp); PubMed 21462282 (cited by Labcorp Genetics (formerly Invitae), Labcorp); PubMed 26800492 (cited by Labcorp Genetics (formerly Invitae), Labcorp); PubMed 27804060 (cited by Labcorp Genetics (formerly Invitae), Labcorp); PubMed 30291219 (cited by Quest Diagnostics Nichols Institute San Juan Capistrano and Department of Pathology and Laboratory Medicine, Sinai Health System).